The following is an entry in ClinVar:

ClinVar aggregate classification (germline): Uncertain significance. Review status: criteria provided, multiple submitters, no conflicts (2 of 4 stars). 3 submissions from 3 submitters: Uncertain significance (3). Last evaluated 2025-08-08.

Conditions:
Inborn genetic diseases. Identifiers: MedGen C0950123, MeSH D030342.
Lysinuric protein intolerance (LPI). Identifiers: Orphanet 470, MedGen C0268647, MONDO:0009109, OMIM 222700.

Allele frequency attached by ClinVar (database versions not stated): TOPMed below 0.00001; ExAC 0.00002; gnomAD 0.00002; 1000 Genomes Project 30x 0.00031; 1000 Genomes Project 0.00040.
gnomAD v4.1: 27 of 1,614,102 alleles (0.0017%); highest among the groups gnomAD compares: South Asian, 0.025%; no homozygotes.

Submissions (3):

Ambry Genetics
Classification: Uncertain significance for Inborn genetic diseases. Last evaluated: 2025-08-08. Review status: criteria provided, single submitter. Criteria: Ambry Variant Classification Scheme 2023. Collection method: clinical testing. Allele origin: germline.

Mayo Clinic Laboratories, Mayo Clinic
Classification: Uncertain significance. Last evaluated: 2024-07-25. Review status: criteria provided, single submitter. Criteria: ACMG Guidelines, 2015. Collection method: clinical testing. Allele origin: germline. Observed: 1 variant allele.
Comment: PP3, PM2

Labcorp Genetics (formerly Invitae), Labcorp
Classification: Uncertain significance for Lysinuric protein intolerance. Last evaluated: 2022-04-01. Review status: criteria provided, single submitter. Criteria: Invitae Variant Classification Sherloc (09022015). Collection method: clinical testing. Allele origin: germline.
Comment: This sequence change replaces tryptophan, which is neutral and slightly polar, with arginine, which is basic and polar, at codon 310 of the SLC7A7 protein (p.Trp310Arg). This variant is present in population databases (rs560232787, gnomAD 0.01%). This variant has not been reported in the literature in individuals affected with SLC7A7-related conditions. Algorithms developed to predict the effect of missense changes on protein structure and function are either unavailable or do not agree on the potential impact of this missense change (SIFT: "Tolerated"; PolyPhen-2: "Probably Damaging"; Align-GVGD: "Class C0"). Algorithms developed to predict the effect of sequence changes on RNA splicing suggest that this variant may create or strengthen a splice site. In summary, the available evidence is currently insufficient to determine the role of this variant in disease. Therefore, it has been classified as a Variant of Uncertain Significance.

NM_003982.4(SLC7A7):c.928T>A (p.Trp310Arg)

Gene: SLC7A7 (solute carrier family 7 member 7; minus strand). Cytogenetic location: 14q11.2.
Variant type: single nucleotide variant.
Coding change: c.928T>A on transcript NM_003982.4 (MANE Select); coding-DNA position 928, T replaced by A.
Protein change: p.Trp310Arg; replaces tryptophan 310 with arginine.
Molecular consequence: missense variant.
Genome position (GRCh38, 1-based): chr14:22,775,903, A>T on the plus strand (T>A on the coding strand, the complement: SLC7A7 is on the minus strand). VCF-style: chr14-22775903-A-T. GRCh37 (hg19) VCF-style: chr14-23245112-A-T.
Other names: p.Trp310Arg; c.928T>A, p.Trp310Arg (NM_001126105.3, NM_001126106.4); short protein forms W310R.
Identifiers: ClinVar variation 2199427 (VCV002199427.3), dbSNP rs560232787, ClinGen allele CA7104538.
Genomic context (GRCh38, chr14:22,775,903, plus strand): 5'-CCACAATGGAGGCATTGAGGCCACCAAAACAGGATAATGCAACTGACAGTGGAATTATCC[A>T]GTTAAATATTCCAAATATCTGATCTGCAAAAGTCTAAGGGAAAAGAATGGAAGAGTCATT-3'
Protein context (NP_003973.3, residues 300-320): FADQIFGIFN[Trp310Arg]IIPLSVALSC